The following is an entry in ClinVar:

NM_000722.4(CACNA2D1):c.3173_3176dup (p.Cys1059Ter)

Gene: CACNA2D1 (calcium voltage-gated channel auxiliary subunit alpha2delta 1; minus strand). Cytogenetic location: 7q21.11.
Variant type: Microsatellite.
Coding change: c.3173_3176dup on transcript NM_000722.4 (MANE Select); coding-DNA positions 3173 to 3176, 4 bases duplicated (ACTG; older notation c.3173_3176dupACTG).
Protein change: p.Cys1059Ter; replaces cysteine 1059 with a stop codon.
Molecular consequence: nonsense.
Genome position (GRCh38, 1-based): chr7:81,950,492-81,950,495, CAGT duplicated on the plus strand (ACTG on the coding strand, the reverse complement: CACNA2D1 is on the minus strand); duplicating any 4 consecutive bases within chr7:81,950,492-81,950,499 gives the same sequence; the c. name uses the placement nearest the transcript's 3' end. VCF-style (leftmost placement, unchanged base first): chr7-81950491-A-ACAGT. GRCh37 (hg19) VCF-style: chr7-81579807-A-ACAGT.
Other names: c.3209_3212dup, p.Cys1071Ter (NM_001366867.1); short protein forms C1059*, C1071*.
Identifiers: ClinVar variation 2786342 (VCV002786342.3), dbSNP rs2484192741, ClinGen allele CA2739266500.

ClinVar aggregate classification (germline): Uncertain significance (1 of 4 stars; one submission).

Conditions:
Brugada syndrome. Also called: Sudden unexpected nocturnal death syndrome; Sudden unexplained nocturnal death syndrome; Sudden Unexplained Death Syndrome; Sudden Unexplained Nocturnal Death Syndrome (SUNDS). Identifiers: Orphanet 130, MedGen C1142166, MONDO:0015263.

Submission:

Labcorp Genetics (formerly Invitae), Labcorp
Classification: Uncertain significance for Brugada syndrome. Last evaluated: 2025-05-12. Review status: criteria provided, single submitter. Criteria: Invitae Variant Classification Sherloc (09022015). Collection method: clinical testing. Allele origin: germline.
Comment: This sequence change creates a premature translational stop signal (p.Cys1059*) in the CACNA2D1 gene. While this is not anticipated to result in nonsense mediated decay, it is expected to disrupt the last 33 amino acid(s) of the CACNA2D1 protein. This variant is not present in population databases (gnomAD no frequency). This variant has not been reported in the literature in individuals affected with CACNA2D1-related conditions. Experimental studies and prediction algorithms are not available or were not evaluated, and the functional significance of this variant is currently unknown. In summary, the available evidence is currently insufficient to determine the role of this variant in disease. Therefore, it has been classified as a Variant of Uncertain Significance.